The following is an entry in ClinVar:

ClinVar aggregate classification (germline): Uncertain significance. Review status: criteria provided, multiple submitters, no conflicts (2 of 4 stars). 4 submissions from 4 submitters: Uncertain significance (4). Last evaluated 2026-04-24.

Conditions:
COL4A2-related disorder. Also called: COL4A2-related disorders; COL4A2-related condition.
Inborn genetic diseases. Identifiers: MedGen C0950123, MeSH D030342.

Allele frequency attached by ClinVar (database versions not stated): gnomAD 0.00001 and 0.00002; gnomAD exomes 0.00001 and 0.00003; TOPMed 0.00003; ExAC 0.00008.
gnomAD v4.1: 16 of 1,594,028 alleles (0.001%); highest among the groups gnomAD compares: Admixed American, 0.014%; no homozygotes.

Submissions (4):

PreventionGenetics, part of Exact Sciences
Classification: Uncertain significance for COL4A2-related condition. Last evaluated: 2026-04-24. Review status: criteria provided, single submitter. Criteria: ACMG Guidelines, 2015. Collection method: clinical testing. Allele origin: germline.
Comment: The COL4A2 c.2176G>C variant is predicted to result in the amino acid substitution p.Gly726Arg. This variant was associated with keratoconus in a study (see the abstract in an online resource). This variant is reported in 0.0098% of alleles in individuals of Latino descent in gnomAD. At this time, the clinical significance of this variant is uncertain due to the absence of conclusive functional and genetic evidence.

Dasa
Classification: Uncertain significance. Last evaluated: 2024-11-17. Review status: criteria provided, single submitter. Criteria: DASA Assertion Criteria. Collection method: clinical testing. Allele origin: germline.
Comment: NM_001846.4(COL4A2):c.2176G>C (p.Gly726Arg) is a missense variant that results in the substitution of glycine with arginine. The affected residue or protein region has prior evidence supporting clinical relevance. This variant is rare in population databases. Computational prediction algorithms are consistent with a deleterious effect. The currently available literature and clinical evidence are not sufficient to establish a definitive association between this variant and the reported condition. Therefore, this variant is classified as a variant of uncertain significance.

Labcorp Genetics (formerly Invitae), Labcorp
Classification: Uncertain significance. Last evaluated: 2022-07-25. Review status: criteria provided, single submitter. Criteria: Invitae Variant Classification Sherloc (09022015). Collection method: clinical testing. Allele origin: germline.
Comment: In summary, the available evidence is currently insufficient to determine the role of this variant in disease. Therefore, it has been classified as a Variant of Uncertain Significance. Advanced modeling of protein sequence and biophysical properties (such as structural, functional, and spatial information, amino acid conservation, physicochemical variation, residue mobility, and thermodynamic stability) performed at Invitae indicates that this missense variant is expected to disrupt COL4A2 protein function. ClinVar contains an entry for this variant (Variation ID: 961419). This variant has not been reported in the literature in individuals affected with COL4A2-related conditions. This variant is present in population databases (rs770946467, gnomAD 0.01%). This sequence change replaces glycine, which is neutral and non-polar, with arginine, which is basic and polar, at codon 726 of the COL4A2 protein (p.Gly726Arg).

Ambry Genetics
Classification: Uncertain significance for Inborn genetic diseases. Last evaluated: 2021-11-16. Review status: criteria provided, single submitter. Criteria: Ambry Variant Classification Scheme 2023. Collection method: clinical testing. Allele origin: germline.

NM_001846.4(COL4A2):c.2176G>C (p.Gly726Arg)

Gene: COL4A2 (collagen type IV alpha 2 chain; plus strand). Cytogenetic location: 13q34.
Variant type: single nucleotide variant.
Coding change: c.2176G>C on transcript NM_001846.4 (MANE Select); coding-DNA position 2176, G replaced by C.
Protein change: p.Gly726Arg; replaces glycine 726 with arginine.
Molecular consequence: missense variant.
Genome position (GRCh38, 1-based): chr13:110,469,297, G>C. VCF-style: chr13-110469297-G-C. GRCh37 (hg19) VCF-style: chr13-111121644-G-C.
Other names: c.2176G>C (NM_001846.2); short protein forms G726R.
Identifiers: ClinVar variation 961419 (VCV000961419.11), dbSNP rs770946467, ClinGen allele CA7049864.
Genomic context (GRCh38, chr13:110,469,297, plus strand): 5'-ATCCCAGGCTTCGCAGGAGCTGATGGAGGACCAGGGCCCAGGGGCTTGCCAGGAGACGCA[G>C]GTCGTGAAGGGTTCCCAGGACCCCCAGGTGAGTTGAGATCAGACCCCCATTCAGCCCCTG-3'
Protein context (NP_001837.2, residues 716-736): PGPRGLPGDA[Gly726Arg]REGFPGPPGF